The following is an entry in ClinVar:

NM_022168.4(IFIH1):c.653C>T (p.Pro218Leu)

Gene: IFIH1 (interferon induced with helicase C domain 1; minus strand). Cytogenetic location: 2q24.2.
Variant type: single nucleotide variant.
Coding change: c.653C>T on transcript NM_022168.4 (MANE Select); coding-DNA position 653, C replaced by T.
Protein change: p.Pro218Leu; replaces proline 218 with leucine.
Molecular consequence: missense variant.
Genome position (GRCh38, 1-based): chr2:162,306,825, G>A on the plus strand (C>T on the coding strand, the complement: IFIH1 is on the minus strand). VCF-style: chr2-162306825-G-A. GRCh37 (hg19) VCF-style: chr2-163163335-G-A.
Other names: short protein forms P218L.
Identifiers: ClinVar variation 726698 (VCV000726698.34), dbSNP rs539777490, ClinGen allele CA1934747.

ClinVar aggregate classification (germline): Benign/Likely benign. Review status: criteria provided, multiple submitters, no conflicts (2 of 4 stars). 2 submissions from 2 submitters: Benign (1); Likely benign (1). Last evaluated 2025-07-30.

Conditions:
Aicardi-Goutieres syndrome 7 (AGS7). Identifiers: Orphanet 51, MedGen C3888244, MONDO:0014367, OMIM 615846.
Singleton-Merten syndrome 1 (SGMRT1). Also called: Widened medullary cavities of bone, aortic calcification, abnormal dentition, and muscular weakness; Syndrome of widened medullary cavities of the metacarpals and phalanges, aortic calcification and abnormal dentition. Identifiers: Orphanet 85191, MedGen C4225427, MONDO:0024535, OMIM 182250.

Allele frequency attached by ClinVar (database versions not stated): gnomAD below 0.00001 and 0.00003; TOPMed 0.00001; gnomAD exomes 0.00011 and 0.00022; 1000 Genomes Project 30x 0.00016; 1000 Genomes Project 0.00020; ExAC 0.00020.
gnomAD v4.1: 174 of 1,613,850 alleles (0.011%); highest among the groups gnomAD compares: South Asian, 0.17%; 2 homozygotes.

Submissions (2):

Labcorp Genetics (formerly Invitae), Labcorp
Classification: Benign for Aicardi-Goutieres syndrome 7; Singleton-Merten syndrome 1. Last evaluated: 2025-07-30. Review status: criteria provided, single submitter. Criteria: Invitae Variant Classification Sherloc (09022015). Collection method: clinical testing. Allele origin: germline.

CeGaT Center for Human Genetics Tuebingen
Classification: Likely benign. Last evaluated: 2023-06-01. Review status: criteria provided, single submitter. Criteria: CeGaT Center For Human Genetics Tuebingen Variant Classification Criteria Version 2. Collection method: clinical testing. Allele origin: germline. Affected: yes. Observed: 1 variant allele.
Comment: IFIH1: BP4, BS2